The following is an entry in ClinVar:

ClinVar aggregate classification (germline): Uncertain significance. Review status: criteria provided, multiple submitters, no conflicts (2 of 4 stars). 2 submissions from 2 submitters: Uncertain significance (2). Last evaluated 2023-03-26.

Conditions:
Dyskeratosis congenita, autosomal dominant 2. Identifiers: MedGen C3151443, MONDO:0013521, OMIM 613989.
Idiopathic Pulmonary Fibrosis. Also called: Idiopathic fibrosing alveolitis, chronic form; idiopathic fibrosing alveolitis. Identifiers: Orphanet 2032, MedGen C1800706, MeSH D054990, MONDO:0800504.
Dyskeratosis congenita. Identifiers: Orphanet 1775, MedGen C0265965, MONDO:0015780.

Submissions (2):

Labcorp Genetics (formerly Invitae), Labcorp
Classification: Uncertain significance for Dyskeratosis congenita, autosomal dominant 2; Idiopathic Pulmonary Fibrosis. Last evaluated: 2023-03-26. Review status: criteria provided, single submitter. Criteria: Invitae Variant Classification Sherloc (09022015). Collection method: clinical testing. Allele origin: germline.
Comment: Algorithms developed to predict the effect of missense changes on protein structure and function output the following: SIFT: "Not Available"; PolyPhen-2: "Possibly Damaging"; Align-GVGD: "Not Available". The asparagine amino acid residue is found in multiple mammalian species, which suggests that this missense change does not adversely affect protein function. ClinVar contains an entry for this variant (Variation ID: 1785071). This variant has not been reported in the literature in individuals affected with TERT-related conditions. The frequency data for this variant in the population databases is considered unreliable, as metrics indicate poor data quality at this position in the gnomAD database. This sequence change replaces aspartic acid, which is acidic and polar, with asparagine, which is neutral and polar, at codon 684 of the TERT protein (p.Asp684Asn). In summary, the available evidence is currently insufficient to determine the role of this variant in disease. Therefore, it has been classified as a Variant of Uncertain Significance.

Ambry Genetics
Classification: Uncertain significance for Dyskeratosis congenita. Last evaluated: 2022-03-14. Review status: criteria provided, single submitter. Criteria: Ambry Variant Classification Scheme 2023. Collection method: clinical testing. Allele origin: germline.
Comment: The p.D684N variant (also known as c.2050G>A), located in coding exon 5 of the TERT gene, results from a G to A substitution at nucleotide position 2050. The aspartic acid at codon 684 is replaced by asparagine, an amino acid with highly similar properties. This amino acid position is conserved. In addition, this alteration is predicted to be tolerated by in silico analysis. Since supporting evidence is limited at this time, the clinical significance of this alteration remains unclear.

NM_198253.3(TERT):c.2050G>A (p.Asp684Asn)

Gene: TERT (telomerase reverse transcriptase; minus strand). Cytogenetic location: 5p15.33.
Variant type: single nucleotide variant.
Coding change: c.2050G>A on transcript NM_198253.3 (MANE Select); coding-DNA position 2050, G replaced by A.
Protein change: p.Asp684Asn; replaces aspartic acid 684 with asparagine.
Molecular consequence: missense variant. On other transcripts: non-coding transcript variant (2).
Genome position (GRCh38, 1-based): chr5:1,279,371, C>T on the plus strand (G>A on the coding strand, the complement: TERT is on the minus strand). VCF-style: chr5-1279371-C-T. GRCh37 (hg19) VCF-style: chr5-1279486-C-T.
Other names: c.2050G>A, p.Asp684Asn (NM_001193376.3, NM_003219.1); short protein forms D684N.
Identifiers: ClinVar variation 1785071 (VCV001785071.5), dbSNP rs1050330534, ClinGen allele CA112949510.
Genomic context (GRCh38, chr5:1,279,371, plus strand): 5'-GCGGCGGGTCCTGGGCCCGCACACGCAGCACGAAGGTGCGCCAGGCCCTGTGGATATCGT[C>T]CAGGCCCAGCACAGAGGCGCCCAGGAGGCCGGGGCGCCGCGCCCGCTCGTAGTTGAGCAC-3'
Protein context (NP_937983.2, residues 674-694): GLLGASVLGL[Asp684Asn]DIHRAWRTFV